The following is an entry in ClinVar:

ClinVar aggregate classification (germline): Uncertain significance. Review status: criteria provided, multiple submitters, no conflicts (2 of 4 stars). 2 submissions from 2 submitters: Uncertain significance (2). Last evaluated 2021-05-31.

Conditions:
Cardiofaciocutaneous syndrome 4 (CFC4). Also called: MAP2K2-Related Cardiofaciocutaneous Syndrome. Identifiers: Orphanet 1340, MedGen C3809007, MONDO:0014114, OMIM 615280.
RASopathy. Also called: rasopathies; Noonan spectrum disorder. Identifiers: Orphanet 536391, MedGen C5555857, MONDO:0021060.

Allele frequency attached by ClinVar (database versions not stated): TOPMed 0.00001.

Submissions (2):

Labcorp Genetics (formerly Invitae), Labcorp
Classification: Uncertain significance for RASopathy. Last evaluated: 2021-05-31. Review status: criteria provided, single submitter. Criteria: Invitae Variant Classification Sherloc (09022015). Collection method: clinical testing. Allele origin: germline.
Comment: In summary, the available evidence is currently insufficient to determine the role of this variant in disease. Therefore, it has been classified as a Variant of Uncertain Significance. Algorithms developed to predict the effect of missense changes on protein structure and function (SIFT, PolyPhen-2, Align-GVGD) all suggest that this variant is likely to be tolerated, but these predictions have not been confirmed by published functional studies and their clinical significance is uncertain. This variant has not been reported in the literature in individuals with MAP2K2-related conditions. ClinVar contains an entry for this variant (Variation ID: 1032231). This variant is not present in population databases (ExAC no frequency). This sequence change replaces lysine with glutamic acid at codon 348 of the MAP2K2 protein (p.Lys348Glu). The lysine residue is moderately conserved and there is a small physicochemical difference between lysine and glutamic acid.

Baylor Genetics
Classification: Uncertain significance for Cardiofaciocutaneous syndrome 4. Last evaluated: 2018-04-20. Review status: criteria provided, single submitter. Criteria: ACMG Guidelines, 2015. Collection method: clinical testing. Allele origin: unknown. Affected: yes.
Comment: This variant was determined to be of uncertain significance according to ACMG Guidelines, 2015 [PMID:25741868].

NM_030662.4(MAP2K2):c.1042A>G (p.Lys348Glu)

Gene: MAP2K2 (mitogen-activated protein kinase kinase 2; minus strand). Cytogenetic location: 19p13.3.
Variant type: single nucleotide variant.
Coding change: c.1042A>G on transcript NM_030662.4 (MANE Select); coding-DNA position 1042, A replaced by G.
Protein change: p.Lys348Glu; replaces lysine 348 with glutamic acid.
Molecular consequence: missense variant.
Genome position (GRCh38, 1-based): chr19:4,095,392, T>C on the plus strand (A>G on the coding strand, the complement: MAP2K2 is on the minus strand). VCF-style: chr19-4095392-T-C. GRCh37 (hg19) VCF-style: chr19-4095390-T-C.
Other names: short protein forms K348E.
Identifiers: ClinVar variation 1032231 (VCV001032231.8), dbSNP rs1460336485, ClinGen allele CA403383138.